The following is an entry in ClinVar:

ClinVar aggregate classification (germline): Pathogenic. Review status: criteria provided, multiple submitters, no conflicts (2 of 4 stars). 3 submissions from 3 submitters: Pathogenic (3). Last evaluated 2026-09-25.

Conditions:
ZEB1-related disorder. Also called: ZEB1-related condition.
Corneal dystrophy. Identifiers: Orphanet 34533, MedGen C0010036, MONDO:0018102, HP:0001131.

Submissions (3):

PreventionGenetics, part of Exact Sciences
Classification: Pathogenic for ZEB1-related condition. Last evaluated: 2026-09-25. Review status: criteria provided, single submitter. Criteria: ACMG Guidelines, 2015. Collection method: clinical testing. Allele origin: germline.
Comment: The ZEB1 c.1576dupG variant is predicted to result in a frameshift and premature protein termination (p.Val526Glyfs*3). This variant, alternatively referred to as TCF8 c.1578_1579insG (p.Glu523fs) using legacy nomenclature, has been observed to segregate with disease in multiple individuals from two families with posterior polymorphous corneal dystrophy (Krafchak et al. 2005. PubMed ID: 16252232; Aldave et al. 2007. PubMed ID: 17935237). Moreover, this variant has been observed in the heterozygous state in two additional individuals with posterior polymorphous corneal dystrophy (Evans et al. 2014. PubMed ID: 25441224; Dudakova et al. 2019. PubMed ID: 30851240). An in vitro experimental study suggests this variant decreases protein abundance compared to wild type (Chung et al. 2014. PubMed ID: 25190660). This variant is reported in 0.00089% of alleles in individuals of European (Non-Finnish) descent in gnomAD. Frameshift variants in ZEB1 are expected to be pathogenic. This variant is interpreted as pathogenic.

Labcorp Genetics (formerly Invitae), Labcorp
Classification: Pathogenic. Last evaluated: 2023-10-18. Review status: criteria provided, single submitter. Criteria: Invitae Variant Classification Sherloc (09022015). Collection method: clinical testing. Allele origin: germline.
Comment: This sequence change creates a premature translational stop signal (p.Val526Glyfs*3) in the ZEB1 gene. It is expected to result in an absent or disrupted protein product. Loss-of-function variants in ZEB1 are known to be pathogenic (PMID: 16252232, 17935237, 30851240). The frequency data for this variant in the population databases is considered unreliable, as metrics indicate poor data quality at this position in the gnomAD database. This premature translational stop signal has been observed in individual(s) with posterior polymorphous corneal dystrophy (PMID: 25441224, 30851240). ClinVar contains an entry for this variant (Variation ID: 437319). For these reasons, this variant has been classified as Pathogenic.

Genetic Services Laboratory, University of Chicago
Classification: Pathogenic for Corneal dystrophy. Last evaluated: 2016-07-05. Review status: criteria provided, single submitter. Criteria: ACMG Guidelines, 2015. Collection method: clinical testing. Allele origin: germline. Affected: yes.

Literature cited by the submitters: PubMed 16252232 (cited by Labcorp Genetics (formerly Invitae), Labcorp); PubMed 17935237 (cited by Labcorp Genetics (formerly Invitae), Labcorp); PubMed 30851240 (cited by Labcorp Genetics (formerly Invitae), Labcorp); PubMed 25441224 (cited by Labcorp Genetics (formerly Invitae), Labcorp).

NM_001174096.2(ZEB1):c.1579dup (p.Val527fs)

Gene: ZEB1 (zinc finger E-box binding homeobox 1; plus strand). Cytogenetic location: 10p11.22.
Variant type: Duplication.
Coding change: c.1579dup on transcript NM_001174096.2 (MANE Select); coding-DNA position 1579, one base duplicated (G; older notation c.1579dupG).
Protein change: p.Val527fs; shifts the reading frame from valine 527.
Molecular consequence: frameshift variant.
Genome position (GRCh38, 1-based): chr10:31,520,911, G duplicated; the last of 7 consecutive G bases (chr10:31,520,905-31,520,911); duplicating any one gives the same sequence. VCF-style (leftmost placement, unchanged base first): chr10-31520904-A-AG. GRCh37 (hg19) VCF-style: chr10-31809832-A-AG.
Other names: c.922dup, p.Val308fs (NM_001323645.2, NM_001323646.2, NM_001323647.2 and 27 more transcripts); c.1354dup, p.Val452fs (NM_001323674.2); c.1312dup, p.Val438fs (NM_001323675.2); c.1537dup, p.Val513fs (NM_001323676.2); c.1528dup, p.Val510fs (NM_001128128.3); c.1516dup, p.Val506fs (NM_001174093.2); c.1525dup, p.Val509fs (NM_001174094.2); c.1375dup, p.Val459fs (NM_001174095.2); and 4 more; short protein forms V438fs, V506fs, V435fs, V459fs, V527fs, V509fs, V308fs, V510fs.
Identifiers: ClinVar variation 437319 (VCV000437319.10), dbSNP rs766305306, ClinGen allele CA5461658.